The following is an entry in ClinVar:

ClinVar aggregate classification (germline): Uncertain significance. Review status: criteria provided, multiple submitters, no conflicts (2 of 4 stars). 2 submissions from 2 submitters: Uncertain significance (2). Last evaluated 2025-03-21.

Conditions:
Hereditary cancer-predisposing syndrome. Also called: Neoplastic Syndromes, Hereditary; Tumor predisposition; Hereditary neoplastic syndrome; Hereditary Cancer Syndrome. Identifiers: Orphanet 140162, MedGen C0027672, MeSH D009386, MONDO:0015356.

Allele frequency attached by ClinVar (database versions not stated): gnomAD 0.00001; TOPMed 0.00001.

Submissions (2):

Women's Health and Genetics/Laboratory Corporation of America, LabCorp
Classification: Uncertain significance. Last evaluated: 2025-03-21. Review status: criteria provided, single submitter. Criteria: LabCorp Variant Classification Summary - May 2015. Collection method: clinical testing. Allele origin: germline.
Comment: Variant summary: SMARCB1 c.-3G>T is located in the untranslated mRNA region upstream of the initiation codon. The variant was absent in 274764 control chromosomes. The available data on variant occurrences in the general population are insufficient to allow any conclusion about variant significance. To our knowledge, no occurrence of c.-3G>T in individuals affected with SMARCB1-related conditions and no experimental evidence demonstrating its impact on protein function have been reported. ClinVar contains an entry for this variant (Variation ID: 824487). Based on the evidence outlined above, the variant was classified as uncertain significance.

Ambry Genetics
Classification: Uncertain significance for Hereditary cancer-predisposing syndrome. Last evaluated: 2024-02-27. Review status: criteria provided, single submitter. Criteria: Ambry Variant Classification Scheme 2023. Collection method: clinical testing. Allele origin: germline.
Comment: The c.-3G>T variant is located in the 5' untranslated region (5&rsquo; UTR) of the SMARCB1 gene. This variant results from a G to T substitution 3 nucleotides upstream from the first translated codon. This variant has been detected in multiple individuals with no reported features of SMARCB1-related Coffin-Siris syndrome (Ambry internal data). This nucleotide position is well conserved in available vertebrate species. Based on the supporting evidence, the association of this alteration with SMARCB1-related tumor predisposition syndrome is unknown; however, the association of this alteration with SMARCB1-related Coffin-Siris syndrome is unlikely.

NM_003073.5(SMARCB1):c.-3G>T

Gene: SMARCB1 (SWI/SNF related BAF chromatin remodeling complex subunit B1; plus strand). Cytogenetic location: 22q11.23.
Variant type: single nucleotide variant.
Coding change: c.-3G>T on transcript NM_003073.5 (MANE Select); 3 bases upstream of the start codon, G replaced by T.
Molecular consequence: 5 prime UTR variant.
Genome position (GRCh38, 1-based): chr22:23,787,167, G>T. VCF-style: chr22-23787167-G-T. GRCh37 (hg19) VCF-style: chr22-24129354-G-T.
Other names: c.-3G>T (NM_001007468.3, NM_001317946.2, NM_001362877.2).
Identifiers: ClinVar variation 824487 (VCV000824487.5), dbSNP rs1002770944, ClinGen allele CA322592502.